The following is an entry in ClinVar:

ClinVar aggregate classification (germline): Uncertain significance (1 of 4 stars; one submission).

Allele frequency attached by ClinVar (database versions not stated): TOPMed 0.00001.
gnomAD v4.1: 24 of 1,614,142 alleles (0.0015%); highest among the groups gnomAD compares: Non-Finnish European, 0.002%; no homozygotes.

Submission:

Labcorp Genetics (formerly Invitae), Labcorp
Classification: Uncertain significance. Last evaluated: 2022-08-01. Review status: criteria provided, single submitter. Criteria: Invitae Variant Classification Sherloc (09022015). Collection method: clinical testing. Allele origin: germline.
Comment: This sequence change replaces glycine, which is neutral and non-polar, with valine, which is neutral and non-polar, at codon 178 of the TNFSF11 protein (p.Gly178Val). This variant is present in population databases (rs747293103, gnomAD 0.0009%). This variant has not been reported in the literature in individuals affected with TNFSF11-related conditions. Algorithms developed to predict the effect of missense changes on protein structure and function are either unavailable or do not agree on the potential impact of this missense change (SIFT: "Deleterious"; PolyPhen-2: "Probably Damaging"; Align-GVGD: "Class C0"). Algorithms developed to predict the effect of sequence changes on RNA splicing suggest that this variant may create or strengthen a splice site. In summary, the available evidence is currently insufficient to determine the role of this variant in disease. Therefore, it has been classified as a Variant of Uncertain Significance.

NM_003701.4(TNFSF11):c.533G>T (p.Gly178Val)

Gene: TNFSF11 (TNF superfamily member 11; plus strand). Cytogenetic location: 13q14.11.
Variant type: single nucleotide variant.
Coding change: c.533G>T on transcript NM_003701.4 (MANE Select); coding-DNA position 533, G replaced by T.
Protein change: p.Gly178Val; replaces glycine 178 with valine.
Molecular consequence: missense variant.
Genome position (GRCh38, 1-based): chr13:42,606,497, G>T. VCF-style: chr13-42606497-G-T. GRCh37 (hg19) VCF-style: chr13-43180633-G-T.
Other names: c.314G>T, p.Gly105Val (NM_033012.4); short protein forms G178V, G105V.
Identifiers: ClinVar variation 1975330 (VCV001975330.2), dbSNP rs747293103, ClinGen allele CA249053392.